The following is an entry in ClinVar:

ClinVar aggregate classification (germline): Pathogenic/Likely pathogenic. Review status: criteria provided, multiple submitters, no conflicts (2 of 4 stars). 4 submissions from 4 submitters: Pathogenic (3); Likely pathogenic (1). Last evaluated 2025-02-10.

Conditions:
Heimler syndrome 2 (HMLR2). Also called: PEROXISOME BIOGENESIS DISORDER 4C. Identifiers: Orphanet 3220, MedGen C4225267, OMIM 616617, MONDO:0014709.
Peroxisome biogenesis disorder. Identifiers: Orphanet 79189, MedGen C1832200, MONDO:0019234. Disease mechanism: loss of function.
PEX6-related disorder. Also called: PEX6-related condition; PEX6-related disorders.

Submissions (4):

PreventionGenetics, part of Exact Sciences
Classification: Pathogenic for PEX6-related condition. Last evaluated: 2025-02-10. Review status: criteria provided, single submitter. Criteria: ACMG Guidelines, 2015. Collection method: clinical testing. Allele origin: germline.
Comment: The PEX6 c.1027delC variant is predicted to result in a frameshift and premature protein termination (p.Arg343Glyfs*8). To our knowledge, this variant has not been reported in the literature. This variant is reported in 0.0026% of alleles in individuals of European (Non-Finnish) descent in gnomAD. Frameshift variants in PEX6 are expected to be pathogenic. This variant is interpreted as pathogenic.

Labcorp Genetics (formerly Invitae), Labcorp
Classification: Pathogenic for Peroxisome biogenesis disorder. Last evaluated: 2025-01-29. Review status: criteria provided, single submitter. Criteria: Invitae Variant Classification Sherloc (09022015). Collection method: clinical testing. Allele origin: germline.
Comment: This sequence change creates a premature translational stop signal (p.Arg343Glyfs*8) in the PEX6 gene. It is expected to result in an absent or disrupted protein product. Loss-of-function variants in PEX6 are known to be pathogenic (PMID: 10408779, 21031596, 31831025). This variant is present in population databases (no rsID available, gnomAD 0.003%). This variant has not been reported in the literature in individuals affected with PEX6-related conditions. ClinVar contains an entry for this variant (Variation ID: 1069607). For these reasons, this variant has been classified as Pathogenic.

Baylor Genetics
Classification: Likely pathogenic for Heimler syndrome 2. Last evaluated: 2024-03-20. Review status: criteria provided, single submitter. Criteria: ACMG Guidelines, 2015. Collection method: clinical testing. Allele origin: unknown.

CeGaT Center for Human Genetics Tuebingen
Classification: Pathogenic. Last evaluated: 2021-03-01. Review status: criteria provided, single submitter. Criteria: CeGaT Center For Human Genetics Tuebingen Variant Classification Criteria Version 2. Collection method: clinical testing. Allele origin: germline. Affected: yes. Observed: 1 variant allele.

Literature cited by the submitters: PubMed 10408779 (cited by Labcorp Genetics (formerly Invitae), Labcorp); PubMed 21031596 (cited by Labcorp Genetics (formerly Invitae), Labcorp); PubMed 31831025 (cited by Labcorp Genetics (formerly Invitae), Labcorp).

NM_000287.4(PEX6):c.1027del (p.Arg343fs)

Gene: PEX6 (peroxisomal biogenesis factor 6; minus strand). Cytogenetic location: 6p21.1.
Variant type: Deletion.
Coding change: c.1027del on transcript NM_000287.4 (MANE Select); coding-DNA position 1027, one base deleted (C; older notation c.1027delC).
Protein change: p.Arg343fs; shifts the reading frame from arginine 343.
Molecular consequence: frameshift variant. On other transcripts: non-coding transcript variant (1).
Genome position (GRCh38, 1-based): chr6:42,974,894, G deleted on the plus strand (C on the coding strand, the reverse complement: PEX6 is on the minus strand); the first of 2 consecutive G bases (chr6:42,974,894-42,974,895); deleting either gives the same sequence. VCF-style (leftmost placement, unchanged base first): chr6-42974893-CG-C. GRCh37 (hg19) VCF-style: chr6-42942631-CG-C.
Other names: c.763del, p.Arg255fs (NM_001316313.2); c.1027delC (NM_000287.3); short protein forms R255fs, R343fs.
Identifiers: ClinVar variation 1069607 (VCV001069607.44), dbSNP rs1388178333, ClinGen allele CA567150155.